The following is an entry in ClinVar:

NM_000208.4(INSR):c.2564G>A (p.Gly855Asp)

Gene: INSR (insulin receptor; minus strand). Cytogenetic location: 19p13.2.
Variant type: single nucleotide variant.
Coding change: c.2564G>A on transcript NM_000208.4 (MANE Select); coding-DNA position 2564, G replaced by A.
Protein change: p.Gly855Asp; replaces glycine 855 with aspartic acid.
Molecular consequence: missense variant.
Genome position (GRCh38, 1-based): chr19:7,141,795, C>T on the plus strand (G>A on the coding strand, the complement: INSR is on the minus strand). VCF-style: chr19-7141795-C-T. GRCh37 (hg19) VCF-style: chr19-7141806-C-T.
Other names: c.2528G>A, p.Gly843Asp (NM_001079817.3); short protein forms G855D, G843D.
Identifiers: ClinVar variation 393443 (VCV000393443.3), dbSNP rs201667363, ClinGen allele CA9135514.

ClinVar aggregate classification (germline): Conflicting classifications of pathogenicity. Review status: criteria provided, conflicting classifications (1 of 4 stars). 2 submissions from 2 submitters: Uncertain significance (1); Likely benign (1). Last evaluated 2025-03-28.

Conditions:
Monogenic diabetes. Identifiers: Orphanet 183625, MedGen C3888631, MONDO:0015967.

Allele frequency attached by ClinVar (database versions not stated): gnomAD exomes below 0.00001 and 0.00001; TOPMed below 0.00001; gnomAD 0.00001; ExAC 0.00002.
gnomAD v4.1: 8 of 1,614,006 alleles (0.0005%); highest among the groups gnomAD compares: East Asian, 0.0089%; no homozygotes.

Submissions (2):

Labcorp Genetics (formerly Invitae), Labcorp
Classification: Likely benign. Last evaluated: 2025-03-28. Review status: criteria provided, single submitter. Criteria: Invitae Variant Classification Sherloc (09022015). Collection method: clinical testing. Allele origin: germline.

Personalized Diabetes Medicine Program, University of Maryland School of Medicine
Classification: Uncertain significance for Monogenic diabetes. Last evaluated: 2016-07-22. Review status: criteria provided, single submitter. Criteria: ACMG Guidelines, 2015. Collection method: research. Allele origin: unknown. Observed: 1 variant allele, 1 heterozygote.
Comment: ACMG Criteria: PP3, BP4